The following is an entry in ClinVar:

ClinVar aggregate classification (germline): Uncertain significance (1 of 4 stars; one submission).

Allele frequency attached by ClinVar (database versions not stated): gnomAD 0.00001; ExAC 0.00001; gnomAD exomes below 0.00001.
gnomAD v4.1: 4 of 1,612,568 alleles (0.00025%); highest among the groups gnomAD compares: Non-Finnish European, 0.00017%; no homozygotes.

Submission:

Labcorp Genetics (formerly Invitae), Labcorp
Classification: Uncertain significance. Last evaluated: 2025-08-15. Review status: criteria provided, single submitter. Criteria: Invitae Variant Classification Sherloc (09022015). Collection method: clinical testing. Allele origin: germline.
Comment: This sequence change falls in intron 9 of the FBXO11 gene. It does not directly change the encoded amino acid sequence of the FBXO11 protein. It affects a nucleotide within the consensus splice site. This variant is present in population databases (rs771193906, gnomAD 0.005%). This variant has not been reported in the literature in individuals affected with FBXO11-related conditions. ClinVar contains an entry for this variant (Variation ID: 2777390). Variants that disrupt the consensus splice site are a relatively common cause of aberrant splicing (PMID: 17576681, 9536098). Algorithms developed to predict the effect of sequence changes on RNA splicing suggest that this variant may disrupt the consensus splice site. In summary, the available evidence is currently insufficient to determine the role of this variant in disease. Therefore, it has been classified as a Variant of Uncertain Significance.

Literature cited by the submitters: PubMed 17576681; PubMed 9536098.

NM_001190274.2(FBXO11):c.1154-3C>T

Gene: FBXO11 (F-box protein 11; minus strand). Cytogenetic location: 2p16.3.
Variant type: single nucleotide variant.
Coding change: c.1154-3C>T on transcript NM_001190274.2 (MANE Select); 3 bases into the intron before coding-DNA position 1154, C replaced by T.
Molecular consequence: intron variant.
Genome position (GRCh38, 1-based): chr2:47,832,681, G>A on the plus strand (C>T on the coding strand, the complement: FBXO11 is on the minus strand). VCF-style: chr2-47832681-G-A. GRCh37 (hg19) VCF-style: chr2-48059820-G-A.
Other names: c.902-3C>T (NM_001374325.1, NM_025133.4).
Identifiers: ClinVar variation 2777390 (VCV002777390.3), dbSNP rs771193906, ClinGen allele CA1649909.